The following is an entry in ClinVar:

NM_004177.5(STX3):c.491A>C (p.Glu164Ala)

Gene: STX3 (syntaxin 3; plus strand). Cytogenetic location: 11q12.1.
Variant type: single nucleotide variant.
Coding change: c.491A>C on transcript NM_004177.5 (MANE Select); coding-DNA position 491, A replaced by C.
Protein change: p.Glu164Ala; replaces glutamic acid 164 with alanine.
Molecular consequence: missense variant.
Genome position (GRCh38, 1-based): chr11:59,793,123, A>C. VCF-style: chr11-59793123-A-C. GRCh37 (hg19) VCF-style: chr11-59560596-A-C.
Other names: c.491A>C, p.Glu164Ala (NM_001178040.3, NM_001440522.1, NM_001440523.1 and 6 more transcripts); c.485A>C, p.Glu162Ala (NM_001440528.1); c.470A>C, p.Glu157Ala (NM_001440530.1); short protein forms E157A, E162A, E164A.
Identifiers: ClinVar variation 4985939 (VCV004985939.1).

ClinVar aggregate classification (germline): Uncertain significance (1 of 4 stars; one submission).

Conditions:
STX3-related disorder. Also called: STX3-related condition.

gnomAD v4.1: 15 of 1,613,500 alleles (0.00093%); highest among the groups gnomAD compares: African/African-American, 0.015%; no homozygotes.

Submission:

PreventionGenetics, part of Exact Sciences
Classification: Uncertain significance for STX3-related condition. Last evaluated: 2026-03-04. Review status: criteria provided, single submitter. Criteria: ACMG Guidelines, 2015. Collection method: clinical testing. Allele origin: germline.
Comment: The STX3 c.491A>C variant is predicted to result in the amino acid substitution p.Glu164Ala. To our knowledge, this variant has not been reported in the literature. This variant is reported in 0.012% of alleles in individuals of African descent in gnomAD. At this time, the clinical significance of this variant is uncertain due to the absence of conclusive functional and genetic evidence.